The following is an entry in ClinVar:

NM_014795.4(ZEB2):c.593-205T>C

Gene: ZEB2 (zinc finger E-box binding homeobox 2; minus strand). Cytogenetic location: 2q22.3.
Variant type: single nucleotide variant.
Coding change: c.593-205T>C on transcript NM_014795.4 (MANE Select); 205 bases into the intron before coding-DNA position 593, T replaced by C.
Molecular consequence: intron variant.
Genome position (GRCh38, 1-based): chr2:144,404,335, A>G on the plus strand (T>C on the coding strand, the complement: ZEB2 is on the minus strand). VCF-style: chr2-144404335-A-G. GRCh37 (hg19) VCF-style: chr2-145161902-A-G.
Other names: c.521-205T>C (NM_001171653.2).
Identifiers: ClinVar variation 672368 (VCV000672368.1), dbSNP rs13009259, ClinGen allele CA11032495.

ClinVar aggregate classification (germline): Benign (1 of 4 stars; one submission).

Allele frequency attached by ClinVar (database versions not stated): 1000 Genomes Project 0.19289; 1000 Genomes Project 30x 0.19347; TOPMed 0.18501; gnomAD 0.19012 and 0.19212.
gnomAD v4.1: 26,975 of 142,132 alleles (19%); highest among the groups gnomAD compares: African/African-American, 30%; 2,798 homozygotes.

Submission:

GeneDx
Classification: Benign. Last evaluated: 2018-06-14. Review status: criteria provided, single submitter. Criteria: GeneDx Variant Classification (06012015). Collection method: clinical testing. Allele origin: germline. Affected: yes.
Comment: This variant is considered likely benign or benign based on one or more of the following criteria: it is a conservative change, it occurs at a poorly conserved position in the protein, it is predicted to be benign by multiple in silico algorithms, and/or has population frequency not consistent with disease.